The following is an entry in ClinVar:

ClinVar aggregate classification (germline): Uncertain significance (1 of 4 stars; one submission).

Submission:

CeGaT Center for Human Genetics Tuebingen
Classification: Uncertain significance. Last evaluated: 2025-12-01. Review status: criteria provided, single submitter. Criteria: CeGaT Center For Human Genetics Tuebingen Variant Classification Criteria Version 2. Collection method: clinical testing. Allele origin: germline. Affected: yes. Observed: 1 variant allele.
Comment: MAST3: PM2:Supporting, PM5:Supporting, PP2

NM_001393504.1(MAST3):c.454G>A (p.Asp152Asn)

Genes: MAST3 (microtubule associated serine/threonine kinase 3; plus strand), LOC126862876 (BRD4-independent group 4 enhancer GRCh37_chr19:18232970-18234169; plus strand). Cytogenetic location: 19p13.11.
Variant type: single nucleotide variant.
Coding change: c.454G>A on transcript NM_001393504.1 (MANE Select); coding-DNA position 454, G replaced by A.
Protein change: p.Asp152Asn; replaces aspartic acid 152 with asparagine.
Molecular consequence: missense variant.
Genome position (GRCh38, 1-based): chr19:18,123,271, G>A. VCF-style: chr19-18123271-G-A. GRCh37 (hg19) VCF-style: chr19-18234081-G-A.
Other names: c.433G>A, p.Asp145Asn (NM_001393507.1); c.388G>A, p.Asp130Asn (NM_001393508.1, NM_001393516.1); c.385G>A, p.Asp129Asn (NM_001393509.1, NM_001393510.1, NM_001393512.1 and 2 more transcripts); c.382G>A, p.Asp128Asn (NM_001393511.1, NM_001393519.1); c.406G>A, p.Asp136Asn (NM_001393513.1, NM_001393506.1); c.367G>A, p.Asp123Asn (NM_001393514.1, NM_015016.2); c.364G>A, p.Asp122Asn (NM_001393515.1, NM_001393520.1); c.340G>A, p.Asp114Asn (NM_001393521.1); and 4 more; short protein forms D114N, D122N, D123N, D128N, D129N, D130N, D136N, D145N.
Identifiers: ClinVar variation 4535025 (VCV004535025.6).
Genomic context (GRCh38, chr19:18,123,271, plus strand): 5'-TACCAGTCAAGCTCATCCTCCCGGGAACGTCTCCACCAGCTTCCCTTCCAGCCGACGCCG[G>A]ACGAGCTGCACTTCCTGTCCAAGCACTTCCGCAGCTCAGAGAATGTGCTTGATGAGGAAG-3'
Protein context (NP_001380433.1, residues 142-162): LHQLPFQPTP[Asp152Asn]ELHFLSKHFR